The following is an entry in ClinVar:

ClinVar aggregate classification (germline): Likely pathogenic (1 of 4 stars; one submission).

Conditions:
Autosomal recessive nonsyndromic hearing loss 2. Also called: NEUROSENSORY NONSYNDROMIC RECESSIVE DEAFNESS 2; DEAFNESS, AUTOSOMAL RECESSIVE 2. Identifiers: Orphanet 90636, MedGen C1838701, MONDO:0010807, OMIM 600060.

Submission:

Institute of Rare Diseases, West China Hospital, Sichuan University
Classification: Likely pathogenic for Autosomal recessive nonsyndromic hearing loss 2. Last evaluated: 2025-01-09. Review status: criteria provided, single submitter. Criteria: ClinGen HL ACMG Specifications v1. Collection method: research. Allele origin: germline. Affected: yes.
Comment: PM3;PM5;PM2_Supporting;PP3

NM_000260.4(MYO7A):c.1555G>C (p.Gly519Arg)

Gene: MYO7A (myosin VIIA; plus strand). Cytogenetic location: 11q13.5.
Variant type: single nucleotide variant.
Coding change: c.1555G>C on transcript NM_000260.4 (MANE Select); coding-DNA position 1555, G replaced by C.
Protein change: p.Gly519Arg; replaces glycine 519 with arginine.
Molecular consequence: missense variant.
Genome position (GRCh38, 1-based): chr11:77,162,853, G>C. VCF-style: chr11-77162853-G-C. GRCh37 (hg19) VCF-style: chr11-76873899-G-C.
Other names: c.1555G>C, p.Gly519Arg (NM_001127180.2); c.1522G>C, p.Gly508Arg (NM_001369365.1); short protein forms G508R, G519R.
Identifiers: ClinVar variation 3601456 (VCV003601456.1).